The following is an entry in ClinVar:

NM_000260.4(MYO7A):c.2758C>G (p.Arg920Gly)

Gene: MYO7A (myosin VIIA; plus strand). Cytogenetic location: 11q13.5.
Variant type: single nucleotide variant.
Coding change: c.2758C>G on transcript NM_000260.4 (MANE Select); coding-DNA position 2758, C replaced by G.
Protein change: p.Arg920Gly; replaces arginine 920 with glycine.
Molecular consequence: missense variant.
Genome position (GRCh38, 1-based): chr11:77,181,443, C>G. VCF-style: chr11-77181443-C-G. GRCh37 (hg19) VCF-style: chr11-76892489-C-G.
Other names: c.2758C>G, p.Arg920Gly (NM_001127180.2); c.2725C>G, p.Arg909Gly (NM_001369365.1); short protein forms R909G, R920G.
Identifiers: ClinVar variation 873510 (VCV000873510.4), dbSNP rs373089701, ClinGen allele CA381942781.

ClinVar aggregate classification (germline): Uncertain significance (1 of 4 stars; one submission).

Conditions:
Autosomal dominant nonsyndromic hearing loss 11. Identifiers: Orphanet 90635, MedGen C1832475, MONDO:0011032, OMIM 601317.

Submission:

Illumina Laboratory Services, Illumina
Classification: Uncertain significance for Autosomal dominant nonsyndromic hearing loss 11. Last evaluated: 2020-01-07. Review status: criteria provided, single submitter. Criteria: ICSLVariantClassificationCriteria RUGD 01 April 2020. Collection method: clinical testing. Allele origin: unknown.
Comment: The MYO7A c.2758C>G (p.Arg920Gly) variant is a missense variant. A literature search was performed for the gene, cDNA change, and amino acid change. No publications were found based on this search. This variant is not found in the Genome Aggregation Database in a region of good sequence coverage, so the variant is presumed to be rare. Based on the limited evidence, the p.Arg920Gly variant is classified as a variant of unknown significance for nonsyndromic hearing loss.